The following is an entry in ClinVar:

NM_000254.3(MTR):c.2665A>C (p.Ser889Arg)

Gene: MTR (5-methyltetrahydrofolate-homocysteine methyltransferase; plus strand). Cytogenetic location: 1q43.
Variant type: single nucleotide variant.
Coding change: c.2665A>C on transcript NM_000254.3 (MANE Select); coding-DNA position 2665, A replaced by C.
Protein change: p.Ser889Arg; replaces serine 889 with arginine.
Molecular consequence: missense variant.
Genome position (GRCh38, 1-based): chr1:236,880,825, A>C. VCF-style: chr1-236880825-A-C. GRCh37 (hg19) VCF-style: chr1-237044125-A-C.
Other names: c.2512A>C, p.Ser838Arg (NM_001291939.1); c.1444A>C, p.Ser482Arg (NM_001291940.2); short protein forms S838R, S889R, S482R.
Identifiers: ClinVar variation 1378593 (VCV001378593.5), dbSNP rs1553326540, ClinGen allele CA1474467.

ClinVar aggregate classification (germline): Uncertain significance (1 of 4 stars; one submission).

Conditions:
Methylcobalamin deficiency type cblG (HMAG). Also called: HOMOCYSTINURIA-MEGALOBLASTIC ANEMIA, cblG COMPLEMENTATION TYPE; Functional methionine synthase deficiency type cblG; HOMOCYSTINURIA-MEGALOBLASTIC ANEMIA, cblG TYPE; HOMOCYSTINURIA-MEGALOBLASTIC ANEMIA DUE TO DEFECT IN COBALAMIN METABOLISM, cblG COMPLEMENTATION TYPE. Identifiers: Orphanet 2170, Orphanet 622, MedGen C1855128, MONDO:0009609, OMIM 250940.

Allele frequency attached by ClinVar (database versions not stated): gnomAD exomes below 0.00001; TOPMed below 0.00001; ExAC 0.00001.
gnomAD v4.1: 5 of 1,614,100 alleles (0.00031%); highest among the groups gnomAD compares: Non-Finnish European, 0.00042%; no homozygotes.

Submission:

Labcorp Genetics (formerly Invitae), Labcorp
Classification: Uncertain significance for Methylcobalamin deficiency type cblG. Last evaluated: 2021-09-24. Review status: criteria provided, single submitter. Criteria: Invitae Variant Classification Sherloc (09022015). Collection method: clinical testing. Allele origin: germline.
Comment: This sequence change replaces serine with arginine at codon 889 of the MTR protein (p.Ser889Arg). The serine residue is highly conserved and there is a moderate physicochemical difference between serine and arginine. The frequency data for this variant in the population databases is considered unreliable, as metrics indicate poor data quality at this position in the ExAC database. This variant has not been reported in the literature in individuals with MTR-related conditions. Algorithms developed to predict the effect of missense changes on protein structure and function (SIFT, PolyPhen-2, Align-GVGD) all suggest that this variant is likely to be disruptive, but these predictions have not been confirmed by published functional studies and their clinical significance is uncertain. In summary, the available evidence is currently insufficient to determine the role of this variant in disease. Therefore, it has been classified as a Variant of Uncertain Significance.